The following is an entry in ClinVar:

NM_000334.4(SCN4A):c.2150T>C (p.Val717Ala)

Genes: GH-LCR (growth hormone locus control region; plus strand), SCN4A (sodium voltage-gated channel alpha subunit 4; minus strand). Cytogenetic location: 17q23.3.
Variant type: single nucleotide variant.
Coding change: c.2150T>C on transcript NM_000334.4 (MANE Select); coding-DNA position 2150, T replaced by C.
Protein change: p.Val717Ala; replaces valine 717 with alanine.
Molecular consequence: missense variant.
Genome position (GRCh38, 1-based): chr17:63,957,388, A>G on the plus strand (T>C on the coding strand, the complement: SCN4A is on the minus strand). VCF-style: chr17-63957388-A-G. GRCh37 (hg19) VCF-style: chr17-62034748-A-G.
Other names: short protein forms V717A.
Identifiers: ClinVar variation 586508 (VCV000586508.15), dbSNP rs1567823095, ClinGen allele CA400630954.
Genomic context (GRCh38, chr17:63,957,388, plus strand): 5'-CAGTCCAAGGCAATCTTGCACACGCACTCCTTGTAGCTCTTGCCAAACAGCTGCATGCCC[A>G]CCACGGCGAAGATGAACACGATGATAGCCAGCACCAGCGTCAGGTTACCCAGCGCCCCCA-3'
Protein context (NP_000325.4, residues 707-727): LAIIVFIFAV[Val717Ala]GMQLFGKSYK

ClinVar aggregate classification (germline): Conflicting classifications of pathogenicity. Review status: criteria provided, conflicting classifications (1 of 4 stars). 3 submissions from 3 submitters: Likely pathogenic (1); Uncertain significance (2). Last evaluated 2025-12-17.

Conditions:
Hyperkalemic periodic paralysis. Also called: Familial hyperkalemic periodic paralysis; Gamstorp disease. Identifiers: Orphanet 682, MedGen C0238357, MONDO:0008224, OMIM 170500, HP:0007215.

Submissions (3):

GeneDx
Classification: Uncertain significance. Last evaluated: 2025-12-17. Review status: criteria provided, single submitter. Criteria: GeneDx Variant Classification Process June 2021. Collection method: clinical testing. Allele origin: germline. Affected: yes.
Comment: Previously identified in an individual with a clinical diagnosis of myotonia, however, further clinical details were not provided (PMID: 23771340); Not observed at significant frequency in large population cohorts (gnomAD); In silico analysis supports that this missense variant has a deleterious effect on protein structure/function; This variant is associated with the following publications: (PMID: 23771340)

Labcorp Genetics (formerly Invitae), Labcorp
Classification: Likely pathogenic for Hyperkalemic periodic paralysis. Last evaluated: 2023-11-01. Review status: criteria provided, single submitter. Criteria: Invitae Variant Classification Sherloc (09022015). Collection method: clinical testing. Allele origin: germline.
Comment: This sequence change replaces valine, which is neutral and non-polar, with alanine, which is neutral and non-polar, at codon 717 of the SCN4A protein (p.Val717Ala). This variant is not present in population databases (gnomAD no frequency). This missense change has been observed in individuals with clinical features of autosomal dominant SCN4A-related conditions (PMID: 23771340; Invitae). ClinVar contains an entry for this variant (Variation ID: 586508). Advanced modeling of protein sequence and biophysical properties (such as structural, functional, and spatial information, amino acid conservation, physicochemical variation, residue mobility, and thermodynamic stability) has been performed at Invitae for this missense variant, however the output from this modeling did not meet the statistical confidence thresholds required to predict the impact of this variant on SCN4A protein function. In summary, the currently available evidence indicates that the variant is pathogenic, but additional data are needed to prove that conclusively. Therefore, this variant has been classified as Likely Pathogenic.

Athena Diagnostics
Classification: Uncertain significance. Last evaluated: 2020-12-23. Review status: criteria provided, single submitter. Criteria: Athena Diagnostics criteria. Collection method: clinical testing. Allele origin: unknown.

Literature cited by the submitters: PubMed 23771340 (cited by Labcorp Genetics (formerly Invitae), Labcorp and Athena Diagnostics).